The following is an entry in ClinVar:

ClinVar aggregate classification (germline): Uncertain significance (1 of 4 stars; one submission).

Conditions:
Leukocyte adhesion deficiency type II. Also called: CONGENITAL DISORDER OF GLYCOSYLATION, TYPE IIc; Congenital disorder of glycosylation type 2C; CDG 2C; Leukocyte adhesion deficiency type 2; Rambam Hasharon syndrome; CDG IIc. Identifiers: Orphanet 2968, Orphanet 99843, MedGen C0398739, MONDO:0009953, OMIM 266265.

Submission:

Labcorp Genetics (formerly Invitae), Labcorp
Classification: Uncertain significance for Leukocyte adhesion deficiency type II. Last evaluated: 2021-10-12. Review status: criteria provided, single submitter. Criteria: Invitae Variant Classification Sherloc (09022015). Collection method: clinical testing. Allele origin: germline.
Comment: This variant has not been reported in the literature in individuals affected with SLC35C1-related conditions. This variant is not present in population databases (ExAC no frequency). This sequence change replaces aspartic acid with tyrosine at codon 257 of the SLC35C1 protein (p.Asp257Tyr). The aspartic acid residue is weakly conserved and there is a large physicochemical difference between aspartic acid and tyrosine. Algorithms developed to predict the effect of missense changes on protein structure and function (SIFT, PolyPhen-2, Align-GVGD) all suggest that this variant is likely to be tolerated. In summary, the available evidence is currently insufficient to determine the role of this variant in disease. Therefore, it has been classified as a Variant of Uncertain Significance.

NM_018389.5(SLC35C1):c.769G>T (p.Asp257Tyr)

Gene: SLC35C1 (solute carrier family 35 member C1; plus strand). Cytogenetic location: 11p11.2.
Variant type: single nucleotide variant.
Coding change: c.769G>T on transcript NM_018389.5 (MANE Select); coding-DNA position 769, G replaced by T.
Protein change: p.Asp257Tyr; replaces aspartic acid 257 with tyrosine.
Molecular consequence: missense variant.
Genome position (GRCh38, 1-based): chr11:45,811,009, G>T. VCF-style: chr11-45811009-G-T. GRCh37 (hg19) VCF-style: chr11-45832560-G-T.
Other names: c.730G>T, p.Asp244Tyr (NM_001145265.2, NM_001145266.2); short protein forms D257Y, D244Y.
Identifiers: ClinVar variation 1472549 (VCV001472549.5), dbSNP rs2085936907, ClinGen allele CA380206033.